The following is an entry in ClinVar:

NM_006996.3(SLC19A2):c.678_679del (p.Arg226fs)

Gene: SLC19A2 (solute carrier family 19 member 2; minus strand). Cytogenetic location: 1q24.2.
Variant type: Microsatellite.
Coding change: c.678_679del on transcript NM_006996.3 (MANE Select); coding-DNA positions 678 to 679, 2 bases deleted (AG; older notation c.678_679delAG).
Protein change: p.Arg226fs; shifts the reading frame from arginine 226.
Molecular consequence: frameshift variant. On other transcripts: intron variant (1).
Genome position (GRCh38, 1-based): chr1:169,477,283-169,477,284, CT deleted on the plus strand (AG on the coding strand, the reverse complement: SLC19A2 is on the minus strand); deleting any 2 consecutive bases within chr1:169,477,283-169,477,288 gives the same sequence; the c. name uses the placement nearest the transcript's 3' end. VCF-style (leftmost placement, unchanged base first): chr1-169477282-ACT-A. GRCh37 (hg19) VCF-style: chr1-169446520-ACT-A.
Other names: c.205-7102AG[2] (NM_001319667.1); short protein forms R226fs.
Identifiers: ClinVar variation 2840207 (VCV002840207.3), dbSNP rs1658344975, ClinGen allele CA1206114143.
Genomic context (GRCh38, chr1:169,477,282, plus strand): 5'-AGGTGGTTAGAAGCTGGGGTGTCAGTAACAATGCCACCATTTTGTACCTTGATGCCATTC[ACT>A]CTCTGGCAGGTAGAAGGAATGTGGTGAAAGAAGAGGCTCTTCTGTGGCATAGGTAAAAAC-3'

ClinVar aggregate classification (germline): Pathogenic (1 of 4 stars; one submission).

Submission:

Labcorp Genetics (formerly Invitae), Labcorp
Classification: Pathogenic. Last evaluated: 2023-02-23. Review status: criteria provided, single submitter. Criteria: Invitae Variant Classification Sherloc (09022015). Collection method: clinical testing. Allele origin: germline.
Comment: For these reasons, this variant has been classified as Pathogenic. This variant has not been reported in the literature in individuals affected with SLC19A2-related conditions. This variant is not present in population databases (gnomAD no frequency). This sequence change creates a premature translational stop signal (p.Arg226Serfs*14) in the SLC19A2 gene. It is expected to result in an absent or disrupted protein product. Loss-of-function variants in SLC19A2 are known to be pathogenic (PMID: 10391221, 10391223, 10874303).

Literature cited by the submitters: PubMed 10391221; PubMed 10391223; PubMed 10874303.